The following is an entry in ClinVar:

ClinVar aggregate classification (germline): Conflicting classifications of pathogenicity. Review status: criteria provided, conflicting classifications (1 of 4 stars). 6 submissions from 6 submitters: Uncertain significance (2); Benign (2). 2 of the submissions do not count toward it. Last evaluated 2026-01-19.

Conditions:
Adenylosuccinate lyase deficiency (ADSLD). Also called: ADSL DEFICIENCY. Identifiers: Orphanet 46, MedGen C0268126, MONDO:0007068, OMIM 103050.

Allele frequency attached by ClinVar (database versions not stated): TOPMed 0.00014; ESP Exome Variant Server 0.00015; 1000 Genomes Project 30x 0.00016; gnomAD 0.00019; 1000 Genomes Project 0.00020; gnomAD exomes 0.00033.
gnomAD v4.1: 277 of 1,612,070 alleles (0.017%); highest among the groups gnomAD compares: Middle Eastern, 0.05%; no homozygotes.

Submissions (6):

Labcorp Genetics (formerly Invitae), Labcorp
Classification: Benign for Adenylosuccinate lyase deficiency. Last evaluated: 2026-01-19. Review status: criteria provided, single submitter. Criteria: Invitae Variant Classification Sherloc (09022015). Collection method: clinical testing. Allele origin: germline.

Illumina Laboratory Services, Illumina
Classification: Uncertain significance for Adenylosuccinate lyase deficiency. Last evaluated: 2018-01-13. Review status: criteria provided, single submitter. Criteria: ICSL Variant Classification Criteria 13 December 2019. Collection method: clinical testing. Allele origin: germline.

Eurofins Ntd Llc (ga)
Classification: Uncertain significance. Last evaluated: 2016-10-04. Review status: criteria provided, single submitter. Criteria: EGL Classification Definitions 2015. Collection method: clinical testing. Allele origin: germline. Observed: 1 variant allele, 1 heterozygote.

GeneDx
Classification: Benign. Last evaluated: 2014-05-06. Review status: criteria provided, single submitter. Criteria: GeneDx Variant Classification (06012015). Collection method: clinical testing. Allele origin: germline. Affected: yes.
Comment: This variant is considered likely benign or benign based on one or more of the following criteria: it is a conservative change, it occurs at a poorly conserved position in the protein, it is predicted to be benign by multiple in silico algorithms, and/or has population frequency not consistent with disease.

Clinical Genetics DNA and cytogenetics Diagnostics Lab, Erasmus MC, Erasmus Medical Center
Classification: Likely benign. Review status: no assertion criteria provided. Collection method: clinical testing. Allele origin: germline. Affected: yes. Study: VKGL Data-share Consensus. Not counted in ClinVar's aggregate classification.

Clinical Genetics, Academic Medical Center
Classification: Likely benign. Review status: no assertion criteria provided. Collection method: clinical testing. Allele origin: germline. Affected: yes. Study: VKGL Data-share Consensus. Not counted in ClinVar's aggregate classification.

NM_000026.4(ADSL):c.357+7G>A

Gene: ADSL (adenylosuccinate lyase; plus strand). Cytogenetic location: 22q13.1.
Variant type: single nucleotide variant.
Coding change: c.357+7G>A on transcript NM_000026.4 (MANE Select); 7 bases into the intron after coding-DNA position 357, G replaced by A.
Molecular consequence: intron variant.
Genome position (GRCh38, 1-based): chr22:40,350,042, G>A. VCF-style: chr22-40350042-G-A. GRCh37 (hg19) VCF-style: chr22-40746046-G-A.
Other names: c.357+7G>A (NM_001363840.3, NM_001123378.3); c.165+7G>A (NM_001317923.2).
Identifiers: ClinVar variation 136309 (VCV000136309.22), dbSNP rs199993991, ClinGen allele CA289317.